The following is an entry in ClinVar:

NM_053025.4(MYLK):c.1055T>C (p.Val352Ala)

Gene: MYLK (myosin light chain kinase; minus strand). Cytogenetic location: 3q21.1.
Variant type: single nucleotide variant.
Coding change: c.1055T>C on transcript NM_053025.4 (MANE Select); coding-DNA position 1055, T replaced by C.
Protein change: p.Val352Ala; replaces valine 352 with alanine.
Molecular consequence: missense variant.
Genome position (GRCh38, 1-based): chr3:123,733,941, A>G on the plus strand (T>C on the coding strand, the complement: MYLK is on the minus strand). VCF-style: chr3-123733941-A-G. GRCh37 (hg19) VCF-style: chr3-123452788-A-G.
Other names: c.527T>C, p.Val176Ala (NM_001321309.2); c.1055T>C, p.Val352Ala (NM_053026.4, NM_053027.4, NM_053028.4); short protein forms V176A, V352A.
Identifiers: ClinVar variation 3401126 (VCV003401126.2).

ClinVar aggregate classification (germline): Uncertain significance. Review status: criteria provided, multiple submitters, no conflicts (2 of 4 stars). 2 submissions from 2 submitters: Uncertain significance (2). Last evaluated 2025-02-27.

Conditions:
Familial thoracic aortic aneurysm and aortic dissection (TAAD). Also called: Thoracic aortic aneurysms and dissections. Identifiers: Orphanet 91387, MedGen C4707243, MONDO:0019625.
Aortic aneurysm, familial thoracic 7 (AAT7). Also called: AORTIC DISSECTION, FAMILIAL, WITH OR WITHOUT AORTIC ANEURYSM. Identifiers: MedGen C3151077, MONDO:0013418, OMIM 613780.

gnomAD v4.1: 13 of 1,613,650 alleles (0.00081%); highest among the groups gnomAD compares: African/African-American, 0.0013%; no homozygotes.

Submissions (2):

Labcorp Genetics (formerly Invitae), Labcorp
Classification: Uncertain significance for Aortic aneurysm, familial thoracic 7. Last evaluated: 2025-02-27. Review status: criteria provided, single submitter. Criteria: Invitae Variant Classification Sherloc (09022015). Collection method: clinical testing. Allele origin: germline.
Comment: This sequence change replaces valine, which is neutral and non-polar, with alanine, which is neutral and non-polar, at codon 352 of the MYLK protein (p.Val352Ala). This variant is present in population databases (no rsID available, gnomAD 0.007%). This variant has not been reported in the literature in individuals affected with MYLK-related conditions. ClinVar contains an entry for this variant (Variation ID: 3401126). Invitae Evidence Modeling of protein sequence and biophysical properties (such as structural, functional, and spatial information, amino acid conservation, physicochemical variation, residue mobility, and thermodynamic stability) indicates that this missense variant is not expected to disrupt MYLK protein function with a negative predictive value of 95%. In summary, the available evidence is currently insufficient to determine the role of this variant in disease. Therefore, it has been classified as a Variant of Uncertain Significance.

Ambry Genetics
Classification: Uncertain significance for Familial thoracic aortic aneurysm and aortic dissection. Last evaluated: 2024-11-05. Review status: criteria provided, single submitter. Criteria: Ambry Variant Classification Scheme 2023. Collection method: clinical testing. Allele origin: germline.
Comment: The p.V352A variant (also known as c.1055T>C), located in coding exon 7 of the MYLK gene, results from a T to C substitution at nucleotide position 1055. The valine at codon 352 is replaced by alanine, an amino acid with similar properties. This amino acid position is conserved. In addition, this alteration is predicted to be tolerated by in silico analysis. Based on the available evidence, the clinical significance of this variant remains unclear.